The following is an entry in ClinVar:

ClinVar aggregate classification (germline): Likely benign. Review status: criteria provided, multiple submitters, no conflicts (2 of 4 stars). 2 submissions from 2 submitters: Likely benign (2). Last evaluated 2018-06-18.

Allele frequency attached by ClinVar (database versions not stated): gnomAD 0.01434 and 0.01803; TOPMed 0.01555; 1000 Genomes Project 30x 0.04388; 1000 Genomes Project 0.04712.
gnomAD v4.1: 2,751 of 152,284 alleles (1.8%); highest among the groups gnomAD compares: East Asian, 11%; 71 homozygotes.

Submissions (2):

GeneDx
Classification: Likely benign. Last evaluated: 2018-06-18. Review status: criteria provided, single submitter. Criteria: GeneDx Variant Classification (06012015). Collection method: clinical testing. Allele origin: germline. Affected: yes.
Comment: This variant is considered likely benign or benign based on one or more of the following criteria: it is a conservative change, it occurs at a poorly conserved position in the protein, it is predicted to be benign by multiple in silico algorithms, and/or has population frequency not consistent with disease.

Breakthrough Genomics
Classification: Likely benign. Review status: criteria provided, single submitter. Criteria: ACMG Guidelines, 2015. Collection method: not provided. Allele origin: germline. Inheritance: Autosomal recessive inheritance. Affected: yes.

NM_001256545.2(MEGF10):c.-18-179A>G

Gene: MEGF10 (multiple EGF like domains 10; plus strand). Cytogenetic location: 5q23.2.
Variant type: single nucleotide variant.
Coding change: c.-18-179A>G on transcript NM_001256545.2 (MANE Select); 179 bases into the intron before 18 bases upstream of the start codon, A replaced by G.
Molecular consequence: intron variant.
Genome position (GRCh38, 1-based): chr5:127,331,112, A>G. VCF-style: chr5-127331112-A-G. GRCh37 (hg19) VCF-style: chr5-126666804-A-G.
Other names: c.-18-179A>G (NM_032446.3, NM_001308119.2, NM_001308121.2).
Identifiers: ClinVar variation 672379 (VCV000672379.2), dbSNP rs80220399, ClinGen allele CA15376178.